The following is an entry in ClinVar:

NM_024854.5(PYROXD1):c.101C>T (p.Pro34Leu)

Gene: PYROXD1 (pyridine nucleotide-disulphide oxidoreductase domain 1; plus strand). Cytogenetic location: 12p12.1.
Variant type: single nucleotide variant.
Coding change: c.101C>T on transcript NM_024854.5 (MANE Select); coding-DNA position 101, C replaced by T.
Protein change: p.Pro34Leu; replaces proline 34 with leucine.
Molecular consequence: missense variant. On other transcripts: 5 prime UTR variant (2).
Genome position (GRCh38, 1-based): chr12:21,440,384, C>T. VCF-style: chr12-21440384-C-T. GRCh37 (hg19) VCF-style: chr12-21593318-C-T.
Other names: c.-113C>T (NM_001350912.2); c.-603C>T (NM_001350913.2); short protein forms P34L.
Identifiers: ClinVar variation 3003091 (VCV003003091.1), dbSNP rs1055730893, ClinGen allele CA234075759.

ClinVar aggregate classification (germline): Uncertain significance (1 of 4 stars; one submission).

Allele frequency attached by ClinVar (database versions not stated): gnomAD 0.00001; gnomAD exomes 0.00002; TOPMed 0.00002.
gnomAD v4.1: 35 of 1,592,906 alleles (0.0022%); highest among the groups gnomAD compares: Non-Finnish European, 0.0029%; no homozygotes.

Submission:

Labcorp Genetics (formerly Invitae), Labcorp
Classification: Uncertain significance. Last evaluated: 2023-08-02. Review status: criteria provided, single submitter. Criteria: Invitae Variant Classification Sherloc (09022015). Collection method: clinical testing. Allele origin: germline.
Comment: In summary, the available evidence is currently insufficient to determine the role of this variant in disease. Therefore, it has been classified as a Variant of Uncertain Significance. Advanced modeling of protein sequence and biophysical properties (such as structural, functional, and spatial information, amino acid conservation, physicochemical variation, residue mobility, and thermodynamic stability) has been performed at Invitae for this missense variant, however the output from this modeling did not meet the statistical confidence thresholds required to predict the impact of this variant on PYROXD1 protein function. This variant has not been reported in the literature in individuals affected with PYROXD1-related conditions. This variant is present in population databases (no rsID available, gnomAD 0.002%). This sequence change replaces proline, which is neutral and non-polar, with leucine, which is neutral and non-polar, at codon 34 of the PYROXD1 protein (p.Pro34Leu).